The following is an entry in ClinVar:

NM_138691.3(TMC1):c.1487A>G (p.Glu496Gly)

Gene: TMC1 (transmembrane channel like 1; plus strand). Cytogenetic location: 9q21.13.
Variant type: single nucleotide variant.
Coding change: c.1487A>G on transcript NM_138691.3 (MANE Select); coding-DNA position 1487, A replaced by G.
Protein change: p.Glu496Gly; replaces glutamic acid 496 with glycine.
Molecular consequence: missense variant.
Genome position (GRCh38, 1-based): chr9:72,792,273, A>G. VCF-style: chr9-72792273-A-G. GRCh37 (hg19) VCF-style: chr9-75407189-A-G.
Other names: short protein forms E496G.
Identifiers: ClinVar variation 1419265 (VCV001419265.8), dbSNP rs2118194034, ClinGen allele CA373507425.
Genomic context (GRCh38, chr9:72,792,273, plus strand): 5'-AGGCCAATATTACCCTTTGGGAAGCCAATATGATCAAGGCCTACAATGCATCATTCTCTG[A>G]AAATAGCACTGGACCACCCTTTTTTGTTCACCCTGCAGATGTACCTCGAGGACCTTGCTG-3'
Protein context (NP_619636.2, residues 486-506): MIKAYNASFS[Glu496Gly]NSTGPPFFVH

ClinVar aggregate classification (germline): Uncertain significance (1 of 4 stars; one submission).

Submission:

Labcorp Genetics (formerly Invitae), Labcorp
Classification: Uncertain significance. Last evaluated: 2024-05-15. Review status: criteria provided, single submitter. Criteria: Invitae Variant Classification Sherloc (09022015). Collection method: clinical testing. Allele origin: germline.
Comment: This sequence change replaces glutamic acid, which is acidic and polar, with glycine, which is neutral and non-polar, at codon 496 of the TMC1 protein (p.Glu496Gly). This variant is not present in population databases (gnomAD no frequency). This variant has not been reported in the literature in individuals affected with TMC1-related conditions. ClinVar contains an entry for this variant (Variation ID: 1419265). Algorithms developed to predict the effect of missense changes on protein structure and function output the following: SIFT: "Not Available"; PolyPhen-2: "Benign"; Align-GVGD: "Not Available". The glycine amino acid residue is found in multiple mammalian species, which suggests that this missense change does not adversely affect protein function. In summary, the available evidence is currently insufficient to determine the role of this variant in disease. Therefore, it has been classified as a Variant of Uncertain Significance.